The following is an entry in ClinVar:

NM_001376.5(DYNC1H1):c.1916G>A (p.Arg639His)

Gene: DYNC1H1 (dynein cytoplasmic 1 heavy chain 1; plus strand). Cytogenetic location: 14q32.31.
Variant type: single nucleotide variant.
Coding change: c.1916G>A on transcript NM_001376.5 (MANE Select); coding-DNA position 1916, G replaced by A.
Protein change: p.Arg639His; replaces arginine 639 with histidine.
Molecular consequence: missense variant.
Genome position (GRCh38, 1-based): chr14:101,986,141, G>A. VCF-style: chr14-101986141-G-A. GRCh37 (hg19) VCF-style: chr14-102452478-G-A.
Other names: short protein forms R639H.
Identifiers: ClinVar variation 539778 (VCV000539778.12), dbSNP rs1244748017, ClinGen allele CA391019900.
Genomic context (GRCh38, chr14:101,986,141, plus strand): 5'-TTCACGACAAGTTCAAGGTCCAGTACCCACAGAGTCAGGCTTGTAAGATGAGTCACGTTC[G>A]TGACTTGCCCCCTGTGTCAGGGTCTATCATCTGGGCTAAACAGATCGACAGGCAGCTGAC-3'
Protein context (NP_001367.2, residues 629-649): QSQACKMSHV[Arg639His]DLPPVSGSII

ClinVar aggregate classification (germline): Uncertain significance. Review status: criteria provided, multiple submitters, no conflicts (2 of 4 stars). 3 submissions from 3 submitters: Uncertain significance (2). 1 of the submissions does not count toward it. Last evaluated 2024-06-28.

Conditions:
Distal spinal muscular atrophy. Also called: Distal hereditary motor neuropathy; Distal hereditary motor neuronopathy. Identifiers: Orphanet 53739, MedGen C0393541, MONDO:0018894.
Inborn genetic diseases. Identifiers: MedGen C0950123, MeSH D030342.
Charcot-Marie-Tooth disease axonal type 2O. Also called: Charcot-Marie-Tooth disease, axonal, type 20; CHARCOT-MARIE-TOOTH NEUROPATHY, AXONAL, TYPE 2O; CHARCOT-MARIE-TOOTH DISEASE, AXONAL, AUTOSOMAL DOMINANT, TYPE 2O; Charcot-Marie-Tooth Neuropathy Type 2O. Identifiers: Orphanet 284232, MedGen C3280220, MONDO:0013644, OMIM 614228.

Allele frequency attached by ClinVar (database versions not stated): gnomAD 0.00001; gnomAD exomes 0.00001; TOPMed 0.00001.
gnomAD v4.1: 12 of 1,614,106 alleles (0.00074%); highest among the groups gnomAD compares: Non-Finnish European, 0.00093%; no homozygotes.

Submissions (3):

Labcorp Genetics (formerly Invitae), Labcorp
Classification: Uncertain significance for Charcot-Marie-Tooth disease axonal type 2O. Last evaluated: 2024-06-28. Review status: criteria provided, single submitter. Criteria: Invitae Variant Classification Sherloc (09022015). Collection method: clinical testing. Allele origin: germline.
Comment: This sequence change replaces arginine, which is basic and polar, with histidine, which is basic and polar, at codon 639 of the DYNC1H1 protein (p.Arg639His). The frequency data for this variant in the population databases is considered unreliable, as metrics indicate poor data quality at this position in the gnomAD database. This variant has not been reported in the literature in individuals affected with DYNC1H1-related conditions. ClinVar contains an entry for this variant (Variation ID: 539778). Advanced modeling of protein sequence and biophysical properties (such as structural, functional, and spatial information, amino acid conservation, physicochemical variation, residue mobility, and thermodynamic stability) performed at Invitae indicates that this missense variant is expected to disrupt DYNC1H1 protein function with a positive predictive value of 95%. In summary, the available evidence is currently insufficient to determine the role of this variant in disease. Therefore, it has been classified as a Variant of Uncertain Significance.

Ambry Genetics
Classification: Uncertain significance for Inborn genetic diseases. Last evaluated: 2023-12-14. Review status: criteria provided, single submitter. Criteria: Ambry Variant Classification Scheme 2023. Collection method: clinical testing. Allele origin: germline.

Inherited Neuropathy Consortium
Classification: Likely benign for Distal spinal muscular atrophy. Review status: no assertion criteria provided. Collection method: provider interpretation. Allele origin: inherited. Affected: yes. Not counted in ClinVar's aggregate classification.